The following is an entry in ClinVar:

NM_024537.4(CARS2):c.1259T>C (p.Val420Ala)

Gene: CARS2 (cysteinyl-tRNA synthetase 2, mitochondrial; minus strand). Cytogenetic location: 13q34.
Variant type: single nucleotide variant.
Coding change: c.1259T>C on transcript NM_024537.4 (MANE Select); coding-DNA position 1259, T replaced by C.
Protein change: p.Val420Ala; replaces valine 420 with alanine.
Molecular consequence: missense variant. On other transcripts: non-coding transcript variant (2).
Genome position (GRCh38, 1-based): chr13:110,646,025, A>G on the plus strand (T>C on the coding strand, the complement: CARS2 is on the minus strand). VCF-style: chr13-110646025-A-G. GRCh37 (hg19) VCF-style: chr13-111298372-A-G.
Other names: c.1259T>C (NM_024537.2); c.473T>C, p.Val158Ala (NM_001352252.2); short protein forms V420A, V158A.
Identifiers: ClinVar variation 572443 (VCV000572443.10), dbSNP rs146878400, ClinGen allele CA7051853.
Genomic context (GRCh38, chr13:110,646,025, plus strand): 5'-ACCTTCAGGGACGCCCTGAGCTGTCCATTCCCGTGGTGTGCAAGGCCCAGGATGGCATCA[A>G]CCACCCTGGGTGTGTCAAAATCATCTGCCAAGGCCGCCTTCACGGCCCTCTTGGTGCTGG-3'
Protein context (NP_078813.1, residues 410-430): LADDFDTPRV[Val420Ala]DAILGLAHHG

ClinVar aggregate classification (germline): Uncertain significance. Review status: criteria provided, multiple submitters, no conflicts (2 of 4 stars). 5 submissions from 5 submitters: Uncertain significance (5). Last evaluated 2026-06-09.

Conditions:
Combined oxidative phosphorylation defect type 27. Also called: Combined oxidative phosphorylation deficiency 27. Identifiers: Orphanet 477774, MedGen C5567608, MONDO:0014728, OMIM 616672.
Inborn genetic diseases. Identifiers: MedGen C0950123, MeSH D030342.

Allele frequency attached by ClinVar (database versions not stated): gnomAD exomes 0.00004; gnomAD 0.00006; ExAC 0.00007; TOPMed 0.00007; ESP Exome Variant Server 0.00008; 1000 Genomes Project 0.00020; 1000 Genomes Project 30x 0.00031.
gnomAD v4.1: 41 of 1,613,776 alleles (0.0025%); highest among the groups gnomAD compares: Admixed American, 0.013%; no homozygotes.

Submissions (5):

Ambry Genetics
Classification: Uncertain significance for Inborn genetic diseases. Last evaluated: 2026-06-09. Review status: criteria provided, single submitter. Criteria: Ambry Variant Classification Scheme 2023. Collection method: clinical testing. Allele origin: germline.
Comment: The c.1259T>C (p.V420A) alteration is located in exon 12 (coding exon 12) of the CARS2 gene. This alteration results from a T to C substitution at nucleotide position 1259, causing the valine (V) at amino acid position 420 to be replaced by an alanine (A). Based on data from gnomAD, the C allele has an overall frequency of 0.005% (15/282598) total alleles studied. The highest observed frequency was 0.017% (6/35322) of Latino alleles. Based on insufficient or conflicting evidence, the clinical significance of this alteration remains unclear.

Blueprint Genetics
Classification: Uncertain significance. Last evaluated: 2024-09-23. Review status: criteria provided, single submitter. Criteria: ACMG Guidelines, 2015. Collection method: clinical testing. Allele origin: germline.

GeneDx
Classification: Uncertain significance. Last evaluated: 2024-09-17. Review status: criteria provided, single submitter. Criteria: GeneDx Variant Classification Process June 2021. Collection method: clinical testing. Allele origin: germline. Affected: yes.
Comment: Has not been previously published as pathogenic or benign to our knowledge; In silico analysis supports that this missense variant has a deleterious effect on protein structure/function

Labcorp Genetics (formerly Invitae), Labcorp
Classification: Uncertain significance for Combined oxidative phosphorylation defect type 27. Last evaluated: 2022-09-01. Review status: criteria provided, single submitter. Criteria: Invitae Variant Classification Sherloc (09022015). Collection method: clinical testing. Allele origin: germline.
Comment: This sequence change replaces valine, which is neutral and non-polar, with alanine, which is neutral and non-polar, at codon 420 of the CARS2 protein (p.Val420Ala). This variant is present in population databases (rs146878400, gnomAD 0.02%). This variant has not been reported in the literature in individuals affected with CARS2-related conditions. ClinVar contains an entry for this variant (Variation ID: 572443). Algorithms developed to predict the effect of missense changes on protein structure and function are either unavailable or do not agree on the potential impact of this missense change (SIFT: "Deleterious"; PolyPhen-2: "Benign"; Align-GVGD: "Class C25"). In summary, the available evidence is currently insufficient to determine the role of this variant in disease. Therefore, it has been classified as a Variant of Uncertain Significance.

Fulgent Genetics
Classification: Uncertain significance for Combined oxidative phosphorylation defect type 27. Last evaluated: 2022-03-30. Review status: criteria provided, single submitter. Criteria: ACMG Guidelines, 2015. Collection method: clinical testing. Allele origin: unknown.